The following is an entry in ClinVar:

ClinVar aggregate classification (germline): Uncertain significance. Review status: criteria provided, multiple submitters, no conflicts (2 of 4 stars). 6 submissions from 5 submitters: Uncertain significance (6). Last evaluated 2026-01-30.

Conditions:
PRX-related disorder. Also called: PRX-related condition; PRX-Related Disorders.
Charcot-Marie-Tooth disease type 4. Also called: Charcot-Marie-Tooth, Type 4; Charcot-Marie-Tooth disease, type IV. Identifiers: Orphanet 64749, MedGen C4082197, MONDO:0018995.
Charcot-Marie-Tooth disease type 4F. Also called: Charcot-Marie-Tooth disease, demyelinating, type 4F. Identifiers: Orphanet 99952, MedGen C3540453, MONDO:0013959, OMIM 614895.
Dejerine-Sottas disease. Also called: HMSN Type III; Hereditary motor and sensory neuropathy 3; Charcot-Marie-Tooth disease type 3; DEJERINE-SOTTAS NEUROPATHY; HEREDITARY MOTOR AND SENSORY NEUROPATHY TYPE III. Identifiers: Orphanet 64748, MedGen C0011195, MONDO:0007790, OMIM 145900.
Inborn genetic diseases. Identifiers: MedGen C0950123, MeSH D030342.

Allele frequency attached by ClinVar (database versions not stated): gnomAD exomes below 0.00001; ExAC 0.00001; gnomAD 0.00003; TOPMed 0.00007.
gnomAD v4.1: 13 of 1,614,098 alleles (0.00081%); highest among the groups gnomAD compares: Admixed American, 0.012%; no homozygotes.

Submissions (6):

PreventionGenetics, part of Exact Sciences
Classification: Uncertain significance for PRX-related condition. Last evaluated: 2026-01-30. Review status: criteria provided, single submitter. Criteria: ACMG Guidelines, 2015. Collection method: clinical testing. Allele origin: germline.
Comment: The PRX c.2790G>C variant is predicted to result in the amino acid substitution p.Lys930Asn. To our knowledge, this variant has not been reported in the literature. This variant is reported in 0.0056% of alleles in individuals of Latino descent in gnomAD. At this time, the clinical significance of this variant is uncertain due to the absence of conclusive functional and genetic evidence.

GeneDx
Classification: Uncertain significance. Last evaluated: 2025-07-01. Review status: criteria provided, single submitter. Criteria: GeneDx Variant Classification Process June 2021. Collection method: clinical testing. Allele origin: germline. Affected: yes.
Comment: Not observed at significant frequency in large population cohorts (gnomAD); In silico analysis supports that this missense variant has a deleterious effect on protein structure/function; Has not been previously published as pathogenic or benign to our knowledge

Baylor Genetics
Classification: Uncertain significance for Dejerine-Sottas disease. Last evaluated: 2023-03-13. Review status: criteria provided, single submitter. Criteria: ACMG Guidelines, 2015. Collection method: clinical testing. Allele origin: unknown.

Baylor Genetics
Classification: Uncertain significance for Charcot-Marie-Tooth disease type 4F. Last evaluated: 2023-03-13. Review status: criteria provided, single submitter. Criteria: ACMG Guidelines, 2015. Collection method: clinical testing. Allele origin: unknown.

Labcorp Genetics (formerly Invitae), Labcorp
Classification: Uncertain significance for Charcot-Marie-Tooth disease type 4. Last evaluated: 2022-06-04. Review status: criteria provided, single submitter. Criteria: Invitae Variant Classification Sherloc (09022015). Collection method: clinical testing. Allele origin: germline.
Comment: This sequence change replaces lysine, which is basic and polar, with asparagine, which is neutral and polar, at codon 930 of the PRX protein (p.Lys930Asn). This variant is present in population databases (rs758614032, gnomAD 0.006%). This variant has not been reported in the literature in individuals affected with PRX-related conditions. ClinVar contains an entry for this variant (Variation ID: 1503566). Algorithms developed to predict the effect of missense changes on protein structure and function are either unavailable or do not agree on the potential impact of this missense change (SIFT: "Tolerated"; PolyPhen-2: "Possibly Damaging"; Align-GVGD: "Class C0"). In summary, the available evidence is currently insufficient to determine the role of this variant in disease. Therefore, it has been classified as a Variant of Uncertain Significance.

Ambry Genetics
Classification: Uncertain significance for Inborn genetic diseases. Last evaluated: 2022-04-07. Review status: criteria provided, single submitter. Criteria: Ambry Variant Classification Scheme 2023. Collection method: clinical testing. Allele origin: germline.

NM_181882.3(PRX):c.2790G>C (p.Lys930Asn)

Gene: PRX (periaxin; minus strand). Cytogenetic location: 19q13.2.
Variant type: single nucleotide variant.
Coding change: c.2790G>C on transcript NM_181882.3 (MANE Select); coding-DNA position 2790, G replaced by C.
Protein change: p.Lys930Asn; replaces lysine 930 with asparagine.
Molecular consequence: missense variant. On other transcripts: 3 prime UTR variant (1).
Genome position (GRCh38, 1-based): chr19:40,395,562, C>G on the plus strand (G>C on the coding strand, the complement: PRX is on the minus strand). VCF-style: chr19-40395562-C-G. GRCh37 (hg19) VCF-style: chr19-40901469-C-G.
Other names: c.*2995G>C (NM_020956.2); short protein forms K930N.
Identifiers: ClinVar variation 1503566 (VCV001503566.9), dbSNP rs758614032, ClinGen allele CA9443977.